The following is an entry in ClinVar:

NM_001369.3(DNAH5):c.12510_12512delinsTGGGCTT (p.Gln4170fs)

Gene: DNAH5 (dynein axonemal heavy chain 5; minus strand). Cytogenetic location: 5p15.2.
Variant type: Indel.
Coding change: c.12510_12512delinsTGGGCTT on transcript NM_001369.3 (MANE Select); coding-DNA positions 12510 to 12512, AGA replaced by TGGGCTT.
Protein change: p.Gln4170fs; shifts the reading frame from glutamine 4170.
Molecular consequence: frameshift variant.
Genome position (GRCh38, 1-based): chr5:13,717,508-13,717,510, TCT replaced by AAGCCCA on the plus strand (AGA replaced by TGGGCTT on the coding strand, the reverse complement: DNAH5 is on the minus strand). VCF-style: chr5-13717508-TCT-AAGCCCA. GRCh37 (hg19) VCF-style: chr5-13717617-TCT-AAGCCCA.
Other names: short protein forms Q4170fs.
Identifiers: ClinVar variation 5011170 (VCV005011170.1).
Genomic context (GRCh38, chr5:13,717,508, plus strand): 5'-AGGAAAGCCACTGCGTACAGCATGGGCTTCCACTGGGACCCAGAGCTCACGTCCAGCAGG[TCT>AAGCCCA]TGGCTGACACCTGTTGTGGTCAGTTGGGTGAAAAATGTATCATCTCTCAAATGTCTTTAT-3'

ClinVar aggregate classification (germline): Pathogenic (1 of 4 stars; one submission).

Conditions:
Primary ciliary dyskinesia 3. Identifiers: Orphanet 244, MedGen C1837618, MONDO:0012085, OMIM 608644.

Submission:

Myriad Genetics, Inc.
Classification: Pathogenic for Primary ciliary dyskinesia 3. Last evaluated: 2024-05-14. Review status: criteria provided, single submitter. Criteria: Myriad Autosomal Dominant, Autosomal Recessive and X-Linked Classification Criteria (2023). Collection method: clinical testing. Allele origin: unknown.
Comment: NM_001369.2(DNAH5):c.12510_12512del3ins7(Q4170Hfs*45) is expected to be pathogenic in the context of primary ciliary dyskinesia, DNAH5-related. This variant is predicted to lead to an abnormal or absent protein product due to the creation of a premature termination codon in DNAH5, a gene where loss-of-function variants are known to be pathogenic. Please note: this variant was assessed in the context of healthy population screening.